The following is an entry in ClinVar:

NM_001385012.1(NBEA):c.7751G>A (p.Arg2584Gln)

Gene: NBEA (neurobeachin; plus strand). Cytogenetic location: 13q13.3.
Variant type: single nucleotide variant.
Coding change: c.7751G>A on transcript NM_001385012.1 (MANE Select); coding-DNA position 7751, G replaced by A.
Protein change: p.Arg2584Gln; replaces arginine 2584 with glutamine.
Molecular consequence: missense variant.
Genome position (GRCh38, 1-based): chr13:35,646,329, G>A. VCF-style: chr13-35646329-G-A. GRCh37 (hg19) VCF-style: chr13-36220466-G-A.
Other names: c.1067G>A, p.Arg356Gln (NM_001204197.3); c.7742G>A, p.Arg2581Gln (NM_001379245.1); c.7688G>A, p.Arg2563Gln (NM_015678.5); short protein forms R2563Q, R2581Q, R2584Q, R356Q.
Identifiers: ClinVar variation 3069110 (VCV003069110.2), dbSNP rs895454637, ClinGen allele CA248079702.

ClinVar aggregate classification (germline): Uncertain significance (1 of 4 stars; one submission).

Allele frequency attached by ClinVar (database versions not stated): gnomAD exomes 0.00001; TOPMed 0.00001.
gnomAD v4.1: 5 of 1,613,444 alleles (0.00031%); highest among the groups gnomAD compares: Non-Finnish European, 0.00042%; no homozygotes.

Submission:

Women's Health and Genetics/Laboratory Corporation of America, LabCorp
Classification: Uncertain significance. Last evaluated: 2024-02-20. Review status: criteria provided, single submitter. Criteria: LabCorp Variant Classification Summary - May 2015. Collection method: clinical testing. Allele origin: germline.
Comment: Variant summary: NBEA c.7688G>A (p.Arg2563Gln) results in a conservative amino acid change located in the Beach domain (IPR000409) of the encoded protein sequence. Four of five in-silico tools predict a damaging effect of the variant on protein function. The frequency data for this variant in gnomAD is considered unreliable, as metrics indicate poor data quality at this position. To our knowledge, no occurrence of c.7688G>A in individuals affected with Neurodevelopmental Disorder With Or Without Early-Onset Generalized Epilepsy and no experimental evidence demonstrating its impact on protein function have been reported. No submitters have cited clinical-significance assessments for this variant to ClinVar. Based on the evidence outlined above, the variant was classified as uncertain significance.